The following is an entry in ClinVar:

NM_000081.4(LYST):c.3061A>C (p.Asn1021His)

Gene: LYST (lysosomal trafficking regulator; minus strand). Cytogenetic location: 1q42.3.
Variant type: single nucleotide variant.
Coding change: c.3061A>C on transcript NM_000081.4 (MANE Select); coding-DNA position 3061, A replaced by C.
Protein change: p.Asn1021His; replaces asparagine 1021 with histidine.
Molecular consequence: missense variant.
Genome position (GRCh38, 1-based): chr1:235,806,075, T>G on the plus strand (A>C on the coding strand, the complement: LYST is on the minus strand). VCF-style: chr1-235806075-T-G. GRCh37 (hg19) VCF-style: chr1-235969375-T-G.
Other names: c.3061A>C (NM_000081.2); c.3061A>C, p.Asn1021His (NM_001301365.1); short protein forms N1021H.
Identifiers: ClinVar variation 1493999 (VCV001493999.8), dbSNP rs1288842414, ClinGen allele CA344953816.

ClinVar aggregate classification (germline): Uncertain significance. Review status: criteria provided, multiple submitters, no conflicts (2 of 4 stars). 3 submissions from 3 submitters: Uncertain significance (3). Last evaluated 2024-01-19.

Conditions:
Chédiak-Higashi syndrome (CHS). Also called: Chediak-Higashi Syndrome. Identifiers: Orphanet 167, MedGen C0007965, MONDO:0008963, OMIM 214500.
Inborn genetic diseases. Identifiers: MedGen C0950123, MeSH D030342.

Allele frequency attached by ClinVar (database versions not stated): gnomAD 0.00001; gnomAD exomes 0.00002; TOPMed 0.00002.
gnomAD v4.1: 25 of 1,613,660 alleles (0.0015%); highest among the groups gnomAD compares: Non-Finnish European, 0.0019%; no homozygotes.

Submissions (3):

Ambry Genetics
Classification: Uncertain significance for Inborn genetic diseases. Last evaluated: 2024-01-19. Review status: criteria provided, single submitter. Criteria: Ambry Variant Classification Scheme 2023. Collection method: clinical testing. Allele origin: germline.

Labcorp Genetics (formerly Invitae), Labcorp
Classification: Uncertain significance for Chédiak-Higashi syndrome. Last evaluated: 2023-11-17. Review status: criteria provided, single submitter. Criteria: Invitae Variant Classification Sherloc (09022015). Collection method: clinical testing. Allele origin: germline.
Comment: This sequence change replaces asparagine, which is neutral and polar, with histidine, which is basic and polar, at codon 1021 of the LYST protein (p.Asn1021His). This variant is not present in population databases (gnomAD no frequency). This variant has not been reported in the literature in individuals affected with LYST-related conditions. ClinVar contains an entry for this variant (Variation ID: 1493999). Advanced modeling of protein sequence and biophysical properties (such as structural, functional, and spatial information, amino acid conservation, physicochemical variation, residue mobility, and thermodynamic stability) performed at Invitae indicates that this missense variant is not expected to disrupt LYST protein function with a negative predictive value of 80%. In summary, the available evidence is currently insufficient to determine the role of this variant in disease. Therefore, it has been classified as a Variant of Uncertain Significance.

Blueprint Genetics
Classification: Uncertain significance. Last evaluated: 2022-11-14. Review status: criteria provided, single submitter. Criteria: ACMG Guidelines, 2015. Collection method: clinical testing. Allele origin: germline.